The following is an entry in ClinVar:

NM_012188.5(FOXI1):c.946T>C (p.Ser316Pro)

Gene: FOXI1 (forkhead box I1; plus strand). Cytogenetic location: 5q35.1.
Variant type: single nucleotide variant.
Coding change: c.946T>C on transcript NM_012188.5 (MANE Select); coding-DNA position 946, T replaced by C.
Protein change: p.Ser316Pro; replaces serine 316 with proline.
Molecular consequence: missense variant.
Genome position (GRCh38, 1-based): chr5:170,108,420, T>C. VCF-style: chr5-170108420-T-C. GRCh37 (hg19) VCF-style: chr5-169535424-T-C.
Other names: c.661T>C, p.Ser221Pro (NM_144769.4); short protein forms S221P, S316P.
Identifiers: ClinVar variation 1953245 (VCV001953245.5), dbSNP rs981887790, ClinGen allele CA132050520.

ClinVar aggregate classification (germline): Uncertain significance (1 of 4 stars; one submission).

Allele frequency attached by ClinVar (database versions not stated): gnomAD 0.00001; gnomAD exomes 0.00002; TOPMed 0.00002.
gnomAD v4.1: 32 of 1,609,300 alleles (0.002%); highest among the groups gnomAD compares: Non-Finnish European, 0.0027%; no homozygotes.

Submission:

Labcorp Genetics (formerly Invitae), Labcorp
Classification: Uncertain significance. Last evaluated: 2022-03-24. Review status: criteria provided, single submitter. Criteria: Invitae Variant Classification Sherloc (09022015). Collection method: clinical testing. Allele origin: germline.
Comment: This variant is not present in population databases (gnomAD no frequency). In summary, the available evidence is currently insufficient to determine the role of this variant in disease. Therefore, it has been classified as a Variant of Uncertain Significance. Algorithms developed to predict the effect of missense changes on protein structure and function output the following: SIFT: "Tolerated"; PolyPhen-2: "Benign"; Align-GVGD: "Class C0". The proline amino acid residue is found in multiple mammalian species, which suggests that this missense change does not adversely affect protein function. This variant has not been reported in the literature in individuals affected with FOXI1-related conditions. This sequence change replaces serine, which is neutral and polar, with proline, which is neutral and non-polar, at codon 316 of the FOXI1 protein (p.Ser316Pro).